The following is an entry in ClinVar:

NM_001003800.2(BICD2):c.1418G>A (p.Arg473His)

Gene: BICD2 (BICD cargo adaptor 2; minus strand). Cytogenetic location: 9q22.31.
Variant type: single nucleotide variant.
Coding change: c.1418G>A on transcript NM_001003800.2 (MANE Select); coding-DNA position 1418, G replaced by A.
Protein change: p.Arg473His; replaces arginine 473 with histidine.
Molecular consequence: missense variant.
Genome position (GRCh38, 1-based): chr9:92,719,227, C>T on the plus strand (G>A on the coding strand, the complement: BICD2 is on the minus strand). VCF-style: chr9-92719227-C-T. GRCh37 (hg19) VCF-style: chr9-95481509-C-T.
Other names: c.1418G>A, p.Arg473His (NM_015250.4); short protein forms R473H.
Identifiers: ClinVar variation 1413340 (VCV001413340.6), dbSNP rs766539334, ClinGen allele CA5126560.

ClinVar aggregate classification (germline): Uncertain significance (1 of 4 stars; one submission).

Conditions:
Autosomal dominant childhood-onset proximal spinal muscular atrophy with contractures (SMALED2A). Also called: SPINAL MUSCULAR ATROPHY, LOWER EXTREMITY-PREDOMINANT, 2A, CHILDHOOD ONSET, AUTOSOMAL DOMINANT; Spinal muscular atrophy, lower extremity-predominant, 2A, autosomal dominant. Identifiers: Orphanet 363447, Orphanet 363454, MedGen C4747715, MONDO:0014121, OMIM 615290.

Allele frequency attached by ClinVar (database versions not stated): ExAC 0.00002; gnomAD exomes 0.00002.
gnomAD v4.1: 15 of 1,611,776 alleles (0.00093%); highest among the groups gnomAD compares: South Asian, 0.0033%; no homozygotes.

Submission:

Labcorp Genetics (formerly Invitae), Labcorp
Classification: Uncertain significance for Autosomal dominant childhood-onset proximal spinal muscular atrophy with contractures. Last evaluated: 2023-06-09. Review status: criteria provided, single submitter. Criteria: Invitae Variant Classification Sherloc (09022015). Collection method: clinical testing. Allele origin: germline.
Comment: Advanced modeling of protein sequence and biophysical properties (such as structural, functional, and spatial information, amino acid conservation, physicochemical variation, residue mobility, and thermodynamic stability) performed at Invitae indicates that this missense variant is not expected to disrupt BICD2 protein function. In summary, the available evidence is currently insufficient to determine the role of this variant in disease. Therefore, it has been classified as a Variant of Uncertain Significance. This sequence change replaces arginine, which is basic and polar, with histidine, which is basic and polar, at codon 473 of the BICD2 protein (p.Arg473His). This variant is present in population databases (rs766539334, gnomAD 0.007%). This variant has not been reported in the literature in individuals affected with BICD2-related conditions. ClinVar contains an entry for this variant (Variation ID: 1413340).